The following is an entry in ClinVar:

NM_024408.4(NOTCH2):c.3047G>A (p.Gly1016Asp)

Gene: NOTCH2 (notch receptor 2; minus strand). Cytogenetic location: 1p12.
Variant type: single nucleotide variant.
Coding change: c.3047G>A on transcript NM_024408.4 (MANE Select); coding-DNA position 3047, G replaced by A.
Protein change: p.Gly1016Asp; replaces glycine 1016 with aspartic acid.
Molecular consequence: missense variant.
Genome position (GRCh38, 1-based): chr1:119,940,691, C>T on the plus strand (G>A on the coding strand, the complement: NOTCH2 is on the minus strand). VCF-style: chr1-119940691-C-T. GRCh37 (hg19) VCF-style: chr1-120483314-C-T.
Other names: c.3047G>A, p.Gly1016Asp (NM_001200001.2); short protein forms G1016D.
Identifiers: ClinVar variation 3662255 (VCV003662255.2).

ClinVar aggregate classification (germline): Uncertain significance (1 of 4 stars; one submission).

Conditions:
Hajdu-Cheney syndrome (HJCYS). Also called: ACROOSTEOLYSIS WITH OSTEOPOROSIS AND CHANGES IN SKULL AND MANDIBLE; Acroosteolysis dominant type; SERPENTINE FIBULA-POLYCYSTIC KIDNEY SYNDROME. Identifiers: Orphanet 955, MedGen C0917715, MONDO:0007057, OMIM 102500.

Submission:

Labcorp Genetics (formerly Invitae), Labcorp
Classification: Uncertain significance for Hajdu-Cheney syndrome. Last evaluated: 2024-11-29. Review status: criteria provided, single submitter. Criteria: Invitae Variant Classification Sherloc (09022015). Collection method: clinical testing. Allele origin: germline.
Comment: This sequence change replaces glycine, which is neutral and non-polar, with aspartic acid, which is acidic and polar, at codon 1016 of the NOTCH2 protein (p.Gly1016Asp). This variant is not present in population databases (gnomAD no frequency). This variant has not been reported in the literature in individuals affected with NOTCH2-related conditions. Invitae Evidence Modeling of protein sequence and biophysical properties (such as structural, functional, and spatial information, amino acid conservation, physicochemical variation, residue mobility, and thermodynamic stability) indicates that this missense variant is not expected to disrupt NOTCH2 protein function with a negative predictive value of 80%. In summary, the available evidence is currently insufficient to determine the role of this variant in disease. Therefore, it has been classified as a Variant of Uncertain Significance.